The following is an entry in ClinVar:

ClinVar aggregate classification (germline): Pathogenic (1 of 4 stars; one submission).

Submission:

Labcorp Genetics (formerly Invitae), Labcorp
Classification: Pathogenic. Last evaluated: 2025-06-12. Review status: criteria provided, single submitter. Criteria: Invitae Variant Classification Sherloc (09022015). Collection method: clinical testing. Allele origin: germline.
Comment: This sequence change creates a premature translational stop signal (p.Thr125Aspfs*21) in the SLC2A9 gene. It is expected to result in an absent or disrupted protein product. Loss-of-function variants in SLC2A9 are known to be pathogenic (PMID: 19926891, 21256783, 21536615, 24628802). This variant is not present in population databases (gnomAD no frequency). This variant has not been reported in the literature in individuals affected with SLC2A9-related conditions. ClinVar contains an entry for this variant (Variation ID: 2113538). For these reasons, this variant has been classified as Pathogenic.

Literature cited by the submitters: PubMed 19926891; PubMed 21256783; PubMed 21536615; PubMed 24628802.

NM_020041.3(SLC2A9):c.372dup (p.Thr125fs)

Genes: SLC2A9 (solute carrier family 2 member 9; minus strand), SLC2A9-AS1 (SLC2A9 antisense RNA 1; plus strand). Cytogenetic location: 4p16.1.
Variant type: Duplication.
Coding change: c.372dup on transcript NM_020041.3 (MANE Select); coding-DNA position 372, one base duplicated (G; older notation c.372dupG).
Protein change: p.Thr125fs; shifts the reading frame from threonine 125.
Molecular consequence: frameshift variant.
Genome position (GRCh38, 1-based): chr4:9,996,819, C duplicated on the plus strand (G on the coding strand, the reverse complement: SLC2A9 is on the minus strand); the first of 4 consecutive C bases (chr4:9,996,819-9,996,822); duplicating any one gives the same sequence. VCF-style (leftmost placement, unchanged base first): chr4-9996818-T-TC. GRCh37 (hg19) VCF-style: chr4-9998442-T-TC.
Other names: c.285dup, p.Thr96fs (NM_001001290.2); short protein forms T96fs, T125fs.
Identifiers: ClinVar variation 2113538 (VCV002113538.4), dbSNP rs2547139335, ClinGen allele CA2580071784.
Genomic context (GRCh38, chr4:9,996,818, plus strand): 5'-GATAGAGACAGCCTCCTACTGACCTCCCAAGAACCTTTCCAATCATCTTCACAATTAACG[T>TC]CCCCACAAGTCCACCGATGGCGAATATGGACACAGTCACAGACCAGAGCAAAGTCAGAGT-3'